The following is an entry in ClinVar:

NM_001145860.2(POP1):c.2824G>C (p.Ala942Pro)

Gene: POP1 (POP1 ribonuclease P/MRP subunit; plus strand). Cytogenetic location: 8q22.2.
Variant type: single nucleotide variant.
Coding change: c.2824G>C on transcript NM_001145860.2 (MANE Select); coding-DNA position 2824, G replaced by C.
Protein change: p.Ala942Pro; replaces alanine 942 with proline.
Molecular consequence: missense variant.
Genome position (GRCh38, 1-based): chr8:98,158,020, G>C. VCF-style: chr8-98158020-G-C. GRCh37 (hg19) VCF-style: chr8-99170248-G-C.
Other names: c.2824G>C (NM_015029.2); c.2824G>C, p.Ala942Pro (NM_001145861.2, NM_015029.3); short protein forms A942P.
Identifiers: ClinVar variation 2192624 (VCV002192624.5), dbSNP rs762543358, ClinGen allele CA4820917.

ClinVar aggregate classification (germline): Uncertain significance. Review status: criteria provided, multiple submitters, no conflicts (2 of 4 stars). 2 submissions from 2 submitters: Uncertain significance (2). Last evaluated 2024-01-19.

Conditions:
Inborn genetic diseases. Identifiers: MedGen C0950123, MeSH D030342.

Allele frequency attached by ClinVar (database versions not stated): ExAC 0.00002.
gnomAD v4.1: 82 of 1,611,680 alleles (0.0051%); highest among the groups gnomAD compares: Non-Finnish European, 0.0069%; no homozygotes.

Submissions (2):

Ambry Genetics
Classification: Uncertain significance for Inborn genetic diseases. Last evaluated: 2024-01-19. Review status: criteria provided, single submitter. Criteria: Ambry Variant Classification Scheme 2023. Collection method: clinical testing. Allele origin: germline.

Labcorp Genetics (formerly Invitae), Labcorp
Classification: Uncertain significance. Last evaluated: 2022-07-30. Review status: criteria provided, single submitter. Criteria: Invitae Variant Classification Sherloc (09022015). Collection method: clinical testing. Allele origin: germline.
Comment: In summary, the available evidence is currently insufficient to determine the role of this variant in disease. Therefore, it has been classified as a Variant of Uncertain Significance. Algorithms developed to predict the effect of missense changes on protein structure and function output the following: SIFT: "Tolerated"; PolyPhen-2: "Benign"; Align-GVGD: "Class C0". The proline amino acid residue is found in multiple mammalian species, which suggests that this missense change does not adversely affect protein function. This variant has not been reported in the literature in individuals affected with POP1-related conditions. This variant is present in population databases (rs762543358, gnomAD 0.005%). This sequence change replaces alanine, which is neutral and non-polar, with proline, which is neutral and non-polar, at codon 942 of the POP1 protein (p.Ala942Pro).